The following is an entry in ClinVar:

NM_001261826.3(AP3D1):c.2360C>T (p.Pro787Leu)

Gene: AP3D1 (adaptor related protein complex 3 subunit delta 1; minus strand). Cytogenetic location: 19p13.3.
Variant type: single nucleotide variant.
Coding change: c.2360C>T on transcript NM_001261826.3 (MANE Select); coding-DNA position 2360, C replaced by T.
Protein change: p.Pro787Leu; replaces proline 787 with leucine.
Molecular consequence: missense variant.
Genome position (GRCh38, 1-based): chr19:2,114,811, G>A on the plus strand (C>T on the coding strand, the complement: AP3D1 is on the minus strand). VCF-style: chr19-2114811-G-A. GRCh37 (hg19) VCF-style: chr19-2114810-G-A.
Other names: c.2360C>T, p.Pro787Leu (NM_001374799.1, NM_003938.8); short protein forms P787L.
Identifiers: ClinVar variation 1972989 (VCV001972989.5), dbSNP rs768156689, ClinGen allele CA9058891.

ClinVar aggregate classification (germline): Uncertain significance (1 of 4 stars; one submission).

Allele frequency attached by ClinVar (database versions not stated): TOPMed 0.00002; ExAC 0.00003; gnomAD exomes 0.00004.
gnomAD v4.1: 57 of 1,613,946 alleles (0.0035%); highest among the groups gnomAD compares: Non-Finnish European, 0.0045%; no homozygotes.

Submission:

Labcorp Genetics (formerly Invitae), Labcorp
Classification: Uncertain significance. Last evaluated: 2026-01-25. Review status: criteria provided, single submitter. Criteria: Invitae Variant Classification Sherloc (09022015). Collection method: clinical testing. Allele origin: germline.
Comment: This sequence change replaces proline, which is neutral and non-polar, with leucine, which is neutral and non-polar, at codon 787 of the AP3D1 protein (p.Pro787Leu). This variant is present in population databases (rs768156689, gnomAD 0.004%). This variant has not been reported in the literature in individuals affected with AP3D1-related conditions. ClinVar contains an entry for this variant (Variation ID: 1972989). An algorithm developed to predict the effect of missense changes on protein structure and function (PolyPhen-2) suggests that this variant is likely to be tolerated. In summary, the available evidence is currently insufficient to determine the role of this variant in disease. Therefore, it has been classified as a Variant of Uncertain Significance.